The following is an entry in ClinVar:

NM_000038.6(APC):c.3404A>G (p.Tyr1135Cys)

Gene: APC (APC regulator of Wnt signaling pathway; plus strand). Cytogenetic location: 5q22.2.
Variant type: single nucleotide variant.
Coding change: c.3404A>G on transcript NM_000038.6 (MANE Select); coding-DNA position 3404, A replaced by G.
Protein change: p.Tyr1135Cys; replaces tyrosine 1135 with cysteine.
Molecular consequence: missense variant.
Genome position (GRCh38, 1-based): chr5:112,838,998, A>G. VCF-style: chr5-112838998-A-G. GRCh37 (hg19) VCF-style: chr5-112174695-A-G.
Other names: c.3404A>G, p.Tyr1135Cys (NM_001127510.3, NM_001354895.2); c.3350A>G, p.Tyr1117Cys (NM_001127511.3); c.3458A>G, p.Tyr1153Cys (NM_001354896.2); c.3434A>G, p.Tyr1145Cys (NM_001354897.2); c.3329A>G, p.Tyr1110Cys (NM_001354898.2); c.3320A>G, p.Tyr1107Cys (NM_001354899.2); c.3281A>G, p.Tyr1094Cys (NM_001354900.2); c.3227A>G, p.Tyr1076Cys (NM_001354901.2); and 5 more; short protein forms Y1117C, Y1135C, Y1145C, Y1009C, Y1034C, Y1076C, Y1094C, Y1107C.
Identifiers: ClinVar variation 490262 (VCV000490262.26), dbSNP rs754916822, ClinGen allele CA035239.

ClinVar aggregate classification (germline): Conflicting classifications of pathogenicity. Review status: criteria provided, conflicting classifications (1 of 4 stars). 7 submissions from 7 submitters: Likely pathogenic (3); Uncertain significance (3); Likely benign (1). Last evaluated 2026-01-28.

Conditions:
Desmoid disease, hereditary (DESMD). Also called: FIBROMATOSIS, FAMILIAL INFILTRATIVE. Identifiers: Orphanet 873, MedGen C1851124, OMIM 135290. Disease mechanism: loss of function.
Familial adenomatous polyposis 1 (FAP1). Also called: POLYPOSIS, ADENOMATOUS INTESTINAL; FAMILIAL ADENOMATOUS POLYPOSIS 1, ATTENUATED. Identifiers: MedGen C2713442, MONDO:0021056, OMIM 175100. Disease mechanism: loss of function.
Familial multiple polyposis syndrome (FAP). Also called: Familial adenomatous polyposis; Familial intestinal polyposis; Familial Adenomatous Polyposis (FAP); Familial polyposis; Classic familial adenomatous polyposis. Identifiers: Orphanet 733, MedGen C0032580, MONDO:0021055. Disease mechanism: loss of function.
Hereditary cancer-predisposing syndrome. Also called: Hereditary Cancer Syndrome; Neoplastic Syndromes, Hereditary; Tumor predisposition; Hereditary neoplastic syndrome. Identifiers: Orphanet 140162, MedGen C0027672, MeSH D009386, MONDO:0015356.
Ovarian cancer. Also called: OVARIAN CANCER, SOMATIC. Identifiers: Orphanet 213500, MedGen C1140680, MONDO:0008170, OMIM 167000.
Classic or attenuated familial adenomatous polyposis. Identifiers: MedGen CN372698, MONDO:0021057.

Allele frequency attached by ClinVar (database versions not stated): TOPMed below 0.00001; gnomAD 0.00001; gnomAD exomes 0.00001; ExAC 0.00002.
gnomAD v4.1: 10 of 1,614,026 alleles (0.00062%); highest among the groups gnomAD compares: East Asian, 0.0045%; no homozygotes.

Submissions (7):

Labcorp Genetics (formerly Invitae), Labcorp
Classification: Likely pathogenic for Familial adenomatous polyposis 1. Last evaluated: 2026-01-28. Review status: criteria provided, single submitter. Criteria: Invitae Variant Classification Sherloc (09022015). Collection method: clinical testing. Allele origin: germline.
Comment: This sequence change replaces tyrosine, which is neutral and polar, with cysteine, which is neutral and slightly polar, at codon 1135 of the APC protein (p.Tyr1135Cys). This variant is present in population databases (rs754916822, gnomAD 0.007%). This missense change has been observed in individual(s) with clinical features of familial adenomatous polyposis (internal data). In at least one individual the variant was observed to be de novo. ClinVar contains an entry for this variant (Variation ID: 490262). Invitae Evidence Modeling of protein sequence and biophysical properties (such as structural, functional, and spatial information, amino acid conservation, physicochemical variation, residue mobility, and thermodynamic stability) indicates that this missense variant is not expected to disrupt APC protein function with a negative predictive value of 95%. In summary, the currently available evidence indicates that the variant is pathogenic, but additional data are needed to prove that conclusively. Therefore, this variant has been classified as Likely Pathogenic.

Ambry Genetics
Classification: Likely benign for Hereditary cancer-predisposing syndrome. Last evaluated: 2025-11-03. Review status: criteria provided, single submitter. Criteria: Ambry Variant Classification Scheme 2023. Collection method: clinical testing. Allele origin: germline.

Women's Health and Genetics/Laboratory Corporation of America, LabCorp
Classification: Likely pathogenic for Familial multiple polyposis syndrome. Last evaluated: 2025-02-18. Review status: criteria provided, single submitter. Criteria: LabCorp Variant Classification Summary - May 2015. Collection method: clinical testing. Allele origin: germline.
Comment: Variant summary: APC c.3404A>G (p.Tyr1135Cys) results in a non-conservative amino acid change in the encoded protein sequence. Three of three in-silico tools predict a damaging effect of the variant on protein function. The variant allele was found at a frequency of 8e-06 in 250872 control chromosomes. c.3404A>G has been reported in the heterozygous state as a de novo variant (maternity and paternity confirmed) internally in at least 1 individual affected with clinical features of APC-related hereditary cancer (example, Labcorp Genetics (formerly Invitae)). To our knowledge, no experimental evidence demonstrating an impact on protein function has been reported. ClinVar contains an entry for this variant (Variation ID: 490262). Based on the evidence outlined above, the variant was classified as likely pathogenic.

All of Us Research Program, National Institutes of Health
Classification: Uncertain significance for Classic or attenuated familial adenomatous polyposis. Last evaluated: 2024-07-20. Review status: criteria provided, single submitter. Criteria: ACMG Guidelines, 2015. Collection method: clinical testing. Allele origin: germline. Inheritance: Autosomal dominant inheritance. Observed: 3 variant alleles, 3 heterozygotes.
Comment: This missense variant replaces tyrosine with cysteine at codon 1135 of the APC protein. Computational prediction suggests that this variant may not impact protein structure and function (internally defined REVEL score threshold <= 0.5, PMID: 27666373). To our knowledge, functional studies have not been reported for this variant. This variant has not been reported in individuals affected with APC-related disorders in the literature. This variant has been identified in 2/250872 chromosomes in the general population by the Genome Aggregation Database (gnomAD). The available evidence is insufficient to determine the role of this variant in disease conclusively. Therefore, this variant is classified as a Variant of Uncertain Significance.

This study involves interpretation of variants in research participants for the purpose of population health screening. Participant phenotype was not available at the time of variant classification. Additional details can be found in publication PMID: 35346344, PMCID: PMC8962531

Color Diagnostics, LLC DBA Color Health
Classification: Uncertain significance for Hereditary cancer-predisposing syndrome. Last evaluated: 2024-07-10. Review status: criteria provided, single submitter. Criteria: ACMG Guidelines, 2015. Collection method: clinical testing. Allele origin: germline.
Comment: This missense variant replaces tyrosine with cysteine at codon 1135 of the APC protein. Computational prediction suggests that this variant may not impact protein structure and function (internally defined REVEL score threshold <= 0.5, PMID: 27666373). To our knowledge, functional studies have not been reported for this variant. This variant has not been reported in individuals affected with APC-related disorders in the literature. This variant has been identified in 2/250872 chromosomes in the general population by the Genome Aggregation Database (gnomAD). The available evidence is insufficient to determine the role of this variant in disease conclusively. Therefore, this variant is classified as a Variant of Uncertain Significance.

Laboratory of Molecular Epidemiology of Birth Defects, West China Second University Hospital, Sichuan University
Classification: Likely pathogenic for Ovarian cancer. Last evaluated: 2022-01-01. Review status: criteria provided, single submitter. Criteria: ACMG Guidelines, 2015. Collection method: clinical testing. Allele origin: germline. Affected: yes.

Department of Pathology and Laboratory Medicine, Sinai Health System
Classification: Uncertain significance for Familial adenomatous polyposis 1; Desmoid disease, hereditary. Last evaluated: 2021-03-12. Review status: criteria provided, single submitter. Criteria: ACMG Guidelines, 2015. Collection method: clinical testing. Allele origin: germline. Affected: yes.

Literature cited by the submitters: PubMed 33569305 (cited by Women's Health and Genetics/Laboratory Corporation of America, LabCorp).